The following is an entry in ClinVar:

NM_000218.3(KCNQ1):c.1394-6914G>A

Genes: KCNQ1 (potassium voltage-gated channel subfamily Q member 1; plus strand), KCNQ1OT1 (KCNQ1 opposite strand/antisense transcript 1; minus strand). Cytogenetic location: 11p15.5.
Variant type: single nucleotide variant.
Coding change: c.1394-6914G>A on transcript NM_000218.3 (MANE Select); 6914 bases into the intron before coding-DNA position 1394, G replaced by A.
Molecular consequence: intron variant. On other transcripts: non-coding transcript variant (1).
Genome position (GRCh38, 1-based): chr11:2,655,047, G>A. VCF-style: chr11-2655047-G-A. GRCh37 (hg19) VCF-style: chr11-2676277-G-A.
Other names: c.1124-6914G>A (NM_001406837.1); c.1298-6914G>A (NM_001406836.1); c.854-6914G>A (NM_001406838.1); c.1013-6914G>A (NM_181798.2).
Identifiers: ClinVar variation 2672447 (VCV002672447.23), dbSNP rs550874836, ClinGen allele CA216165957.

ClinVar aggregate classification (germline): Benign (1 of 4 stars; one submission).

Allele frequency attached by ClinVar (database versions not stated): 1000 Genomes Project 30x 0.00031; TOPMed 0.00037; 1000 Genomes Project 0.00040; gnomAD 0.00065; gnomAD exomes 0.00101.
gnomAD v4.1: 341 of 398,540 alleles (0.086%); highest among the groups gnomAD compares: Non-Finnish European, 0.089%; 1 homozygote.

Submission:

CeGaT Center for Human Genetics Tuebingen
Classification: Benign. Last evaluated: 2026-07-01. Review status: criteria provided, single submitter. Criteria: CeGaT Center For Human Genetics Tuebingen Variant Classification Criteria Version 2. Collection method: clinical testing. Allele origin: germline. Affected: yes. Observed: 4 variant alleles.
Comment: KCNQ1OT1: BS1, BS2